The following is an entry in ClinVar:

ClinVar aggregate classification (germline): Uncertain significance (1 of 4 stars; one submission).

Conditions:
Neurofibromatosis, type 1 (NF1). Also called: VON RECKLINGHAUSEN DISEASE; Peripheral type neurofibromatosis; Neurofibromatosis, type I; NEUROFIBROMATOSIS, TYPE I, SOMATIC. Identifiers: Orphanet 636, MedGen C0027831, MONDO:0018975, OMIM 162200. Disease mechanism: loss of function.

Submission:

Labcorp Genetics (formerly Invitae), Labcorp
Classification: Uncertain significance for Neurofibromatosis, type 1. Last evaluated: 2021-06-19. Review status: criteria provided, single submitter. Criteria: Invitae Variant Classification Sherloc (09022015). Collection method: clinical testing. Allele origin: germline.
Comment: This variant, c.1639_1641del, results in the deletion of 1 amino acid(s) of the NF1 protein (p.Glu547del), but otherwise preserves the integrity of the reading frame. This variant is not present in population databases (ExAC no frequency). This variant has been observed in individual(s) with clinical features of neurofibromatosis type 1 (Invitae). Algorithms developed to predict the effect of sequence changes on RNA splicing suggest that this variant may disrupt the consensus splice site. In summary, the available evidence is currently insufficient to determine the role of this variant in disease. Therefore, it has been classified as a Variant of Uncertain Significance.

NM_001042492.3(NF1):c.1640_1641+1del

Gene: NF1 (neurofibromin 1; plus strand). Cytogenetic location: 17q11.2.
Variant type: Deletion.
Coding change: c.1640_1641+1del on transcript NM_001042492.3 (MANE Select); coding-DNA position 1640 through the canonical splice donor site of the intron after coding-DNA position 1641, 3 bases deleted (AGG; older notation c.1640_1641+1delAGG).
Molecular consequence: splice donor variant.
Genome position (GRCh38, 1-based): chr17:31,219,117-31,219,119, AGG deleted; deleting any 3 consecutive bases within chr17:31,219,115-31,219,119 gives the same sequence; the c. name uses the placement nearest the transcript's 3' end. VCF-style (leftmost placement, unchanged base first): chr17-31219114-TGGA-T. GRCh37 (hg19) VCF-style: chr17-29546132-TGGA-T.
Other names: c.1640_1641+1del (NM_000267.4, NM_001128147.3).
Identifiers: ClinVar variation 1376573 (VCV001376573.6), dbSNP rs2143987443, ClinGen allele CA2573153218.